The following is an entry in ClinVar:

NM_004341.5(CAD):c.2326T>C (p.Phe776Leu)

Genes: CAD (carbamoyl-phosphate synthetase 2, aspartate transcarbamylase, and dihydroorotase; plus strand), LOC126806171 (BRD4-independent group 4 enhancer GRCh37_chr2:27454350-27455549; plus strand). Cytogenetic location: 2p23.3.
Variant type: single nucleotide variant.
Coding change: c.2326T>C on transcript NM_004341.5 (MANE Select); coding-DNA position 2326, T replaced by C.
Protein change: p.Phe776Leu; replaces phenylalanine 776 with leucine.
Molecular consequence: missense variant.
Genome position (GRCh38, 1-based): chr2:27,231,506, T>C. VCF-style: chr2-27231506-T-C. GRCh37 (hg19) VCF-style: chr2-27454374-T-C.
Other names: c.2137T>C, p.Phe713Leu (NM_001306079.2); c.2326T>C (NM_004341.3); short protein forms F776L, F713L.
Identifiers: ClinVar variation 1436959 (VCV001436959.6), dbSNP rs1675755037, ClinGen allele CA346209952.
Genomic context (GRCh38, chr2:27,231,506, plus strand): 5'-TCCTTCCATTCTGTTCTTCCAGGTGAAGTCATGGGCATTGGGCGTTCATTTGAGGAGGCC[T>C]TCCAGAAGGCCCTGCGCATGGTGGATGAGAACTGTGTGGGCTTTGATCACACAGTGAAAC-3'
Protein context (NP_004332.2, residues 766-786): MGIGRSFEEA[Phe776Leu]QKALRMVDEN

ClinVar aggregate classification (germline): Uncertain significance. Review status: criteria provided, multiple submitters, no conflicts (2 of 4 stars). 2 submissions from 2 submitters: Uncertain significance (2). Last evaluated 2025-03-22.

Conditions:
Inborn genetic diseases. Identifiers: MedGen C0950123, MeSH D030342.

Allele frequency attached by ClinVar (database versions not stated): TOPMed below 0.00001; gnomAD exomes below 0.00001.
gnomAD v4.1: 2 of 1,613,566 alleles (0.00012%); highest among the groups gnomAD compares: African/African-American, 0.0013%; no homozygotes.

Submissions (2):

Ambry Genetics
Classification: Uncertain significance for Inborn genetic diseases. Last evaluated: 2025-03-22. Review status: criteria provided, single submitter. Criteria: Ambry Variant Classification Scheme 2023. Collection method: clinical testing. Allele origin: germline.

Labcorp Genetics (formerly Invitae), Labcorp
Classification: Uncertain significance. Last evaluated: 2022-07-12. Review status: criteria provided, single submitter. Criteria: Invitae Variant Classification Sherloc (09022015). Collection method: clinical testing. Allele origin: germline.
Comment: ClinVar contains an entry for this variant (Variation ID: 1436959). In summary, the available evidence is currently insufficient to determine the role of this variant in disease. Therefore, it has been classified as a Variant of Uncertain Significance. Algorithms developed to predict the effect of missense changes on protein structure and function (SIFT, PolyPhen-2, Align-GVGD) all suggest that this variant is likely to be tolerated. This variant has not been reported in the literature in individuals affected with CAD-related conditions. This variant is not present in population databases (gnomAD no frequency). This sequence change replaces phenylalanine, which is neutral and non-polar, with leucine, which is neutral and non-polar, at codon 776 of the CAD protein (p.Phe776Leu).